The following is an entry in ClinVar:

NM_004360.5(CDH1):c.1906G>A (p.Ala636Thr)

Gene: CDH1 (cadherin 1; plus strand). Cytogenetic location: 16q22.1.
Variant type: single nucleotide variant.
Coding change: c.1906G>A on transcript NM_004360.5 (MANE Select); coding-DNA position 1906, G replaced by A.
Protein change: p.Ala636Thr; replaces alanine 636 with threonine.
Molecular consequence: missense variant. On other transcripts: 5 prime UTR variant (1).
Genome position (GRCh38, 1-based): chr16:68,822,195, G>A. VCF-style: chr16-68822195-G-A. GRCh37 (hg19) VCF-style: chr16-68856098-G-A.
Other names: c.1906G>A (LRG_301t1); c.1723G>A, p.Ala575Thr (NM_001317184.2); c.358G>A, p.Ala120Thr (NM_001317185.2); c.-60G>A (NM_001317186.2); short protein forms A636T, A575T, A120T.
Identifiers: ClinVar variation 231087 (VCV000231087.24), dbSNP rs876658950, ClinGen allele CA10580138.

ClinVar aggregate classification (germline): Conflicting classifications of pathogenicity. Review status: criteria provided, conflicting classifications (1 of 4 stars). 6 submissions from 6 submitters: Uncertain significance (5); Likely benign (1). Last evaluated 2025-08-10.

Conditions:
Hereditary cancer-predisposing syndrome. Also called: Hereditary Cancer Syndrome; Neoplastic Syndromes, Hereditary; Tumor predisposition; Hereditary neoplastic syndrome. Identifiers: Orphanet 140162, MedGen C0027672, MeSH D009386, MONDO:0015356.
Hereditary diffuse gastric adenocarcinoma (HDGC). Also called: DIFFUSE GASTRIC AND LOBULAR BREAST CANCER SYNDROME. Identifiers: Orphanet 26106, MedGen C1708349, MONDO:0007648, OMIM 137215.
Familial cancer of breast. Also called: Hereditary breast cancer; hereditary breast carcinoma; BREAST CANCER, FAMILIAL. Identifiers: Orphanet 227535, MedGen C0346153, MONDO:0016419, OMIM 114480. Disease mechanism: loss of function.

Allele frequency attached by ClinVar (database versions not stated): gnomAD exomes 0.00001; TOPMed 0.00001.
gnomAD v4.1: 4 of 1,614,078 alleles (0.00025%); highest among the groups gnomAD compares: Admixed American, 0.0067%; no homozygotes.

Submissions (6):

Labcorp Genetics (formerly Invitae), Labcorp
Classification: Uncertain significance for Hereditary diffuse gastric adenocarcinoma. Last evaluated: 2025-08-10. Review status: criteria provided, single submitter. Criteria: Invitae Variant Classification Sherloc (09022015). Collection method: clinical testing. Allele origin: germline.
Comment: This sequence change replaces alanine, which is neutral and non-polar, with threonine, which is neutral and polar, at codon 636 of the CDH1 protein (p.Ala636Thr). This variant is present in population databases (no rsID available, gnomAD 0.009%). This missense change has been observed in individual(s) with lobular breast cancer (PMID: 38652475). ClinVar contains an entry for this variant (Variation ID: 231087). An algorithm developed to predict the effect of missense changes on protein structure and function (PolyPhen-2) suggests that this variant is likely to be tolerated. In summary, the available evidence is currently insufficient to determine the role of this variant in disease. Therefore, it has been classified as a Variant of Uncertain Significance.

KCCC/NGS Laboratory, Kuwait Cancer Control Center
Classification: Uncertain significance for Familial cancer of breast. Last evaluated: 2024-10-09. Review status: criteria provided, single submitter. Criteria: ACMG Guidelines, 2015. Collection method: clinical testing. Allele origin: germline. Inheritance: Autosomal dominant inheritance. Affected: yes. Observed: 1 heterozygote.
Comment: This sequence change replaces alanine, which is neutral and non-polar, with threonine, which is neutral and polar, at codon 636 of the CDH1 protein (p.Ala636Thr). This amino acid position is poorly conserved (PhyloP=1.96). This variant is present in population databases (no rsID available, gnomAD 0.009%). This variant has not been reported in the literature in individuals affected with CDH1-related conditions. ClinVar contains an entry for this variant (Variation ID: 231087). In addition, this alteration is predicted to be tolerated by in silico analysis. In summary, the available evidence is currently insufficient to determine the role of this variant in disease. Therefore, it has been classified as a Variant of Uncertain Significance. Pathogenic/likely pathogenic variants in this CDH1 gene cause susceptibility to breast cancer (OMIM 114480).

Ambry Genetics
Classification: Likely benign for Hereditary cancer-predisposing syndrome. Last evaluated: 2024-08-21. Review status: criteria provided, single submitter. Criteria: Ambry Variant Classification Scheme 2023. Collection method: clinical testing. Allele origin: germline.

Quest Diagnostics Nichols Institute San Juan Capistrano
Classification: Uncertain significance. Last evaluated: 2023-08-02. Review status: criteria provided, single submitter. Criteria: Quest Diagnostics criteria. Collection method: clinical testing. Allele origin: unknown.
Comment: In the published literature, this variant has been reported in an individual with a hereditary diffuse gastric cancer (HDGC) related phenotype (PMID: 36436516 (2023)). The frequency of this variant in the general population, 0.000087 (3/34592 chromosomes in Latino/Admixed American subpopulation (Genome Aggregation Database)), is higher than would generally be expected for pathogenic variants in this gene. Analysis of this variant using bioinformatics tools for the prediction of the effect of amino acid changes on protein structure and function yielded predictions that this variant is benign. Based on the available information, we are unable to determine the clinical significance of this variant.

European Reference Network on Genetic Tumour Risk Syndromes (ERN-GENTURIS), i3s - Instituto de Investigação e Inovação em Saúde, University of Porto
Classification: Uncertain significance for Hereditary diffuse gastric adenocarcinoma. Last evaluated: 2022-08-01. Review status: criteria provided, single submitter. Criteria: Lee et al. (Hum Mutat. 2018). Collection method: clinical testing. Allele origin: germline. Inheritance: Autosomal dominant inheritance. Affected: no. Study: ERN GENTURIS.
Comment: Not applicable criteria (PMID: 30311375)

Color Diagnostics, LLC DBA Color Health
Classification: Uncertain significance for Hereditary cancer-predisposing syndrome. Last evaluated: 2021-09-19. Review status: criteria provided, single submitter. Criteria: ACMG Guidelines, 2015. Collection method: clinical testing. Allele origin: germline.
Comment: This missense variant replaces alanine with threonine at codon 636 of the CDH1 protein. To our knowledge, functional studies have not been reported for this variant. This variant has not been reported in individuals affected with hereditary cancer in the literature. This variant has been identified in 3/251464 chromosomes in the general population by the Genome Aggregation Database (gnomAD). The available evidence is insufficient to determine the role of this variant in disease conclusively. Therefore, this variant is classified as a Variant of Uncertain Significance.

Literature cited by the submitters: PubMed 38652475 (cited by Labcorp Genetics (formerly Invitae), Labcorp and Ambry Genetics); PubMed 36436516 (cited by Quest Diagnostics Nichols Institute San Juan Capistrano and European Reference Network on Genetic Tumour Risk Syndromes (ERN-GENTURIS), i3s - Instituto de Investigação e Inovação em Saúde, University of Porto).